The following is an entry in ClinVar:

ClinVar aggregate classification (germline): Likely benign (1 of 4 stars; one submission).

Conditions:
Sessile serrated polyposis cancer syndrome (SSPCS). Identifiers: Orphanet 157798, MedGen C4310714, MONDO:0014919, OMIM 617108.

Submission:

Myriad Genetics, Inc.
Classification: Likely benign for Sessile serrated polyposis cancer syndrome. Last evaluated: 2026-06-26. Review status: criteria provided, single submitter. Criteria: Myriad Autosomal Dominant, Autosomal Recessive and X-Linked Classification Criteria (2023). Collection method: clinical testing. Allele origin: unknown.
Comment: This variant is considered likely benign. This variant is intronic and is not expected to impact mRNA splicing.

NM_017763.6(RNF43):c.952+4G>A

Gene: RNF43 (ring finger protein 43; minus strand). Cytogenetic location: 17q22.
Variant type: single nucleotide variant.
Coding change: c.952+4G>A on transcript NM_017763.6 (MANE Select); 4 bases into the intron after coding-DNA position 952, G replaced by A.
Molecular consequence: intron variant.
Genome position (GRCh38, 1-based): chr17:58,360,145, C>T on the plus strand (G>A on the coding strand, the complement: RNF43 is on the minus strand). VCF-style: chr17-58360145-C-T. GRCh37 (hg19) VCF-style: chr17-56437506-C-T.
Other names: c.952+4G>A (NM_001438822.1, NM_001305544.3, NM_001438820.1 and 1 more transcripts); c.571+4G>A (NM_001305545.2, NM_001437987.1).
Identifiers: ClinVar variation 4875686 (VCV004875686.1).